The following is an entry in ClinVar:

NM_052925.4(LENG8):c.973C>T (p.Leu325=)

Gene: LENG8 (leukocyte receptor cluster member 8; plus strand). Cytogenetic location: 19q13.42.
Variant type: single nucleotide variant.
Coding change: c.973C>T on transcript NM_052925.4 (MANE Select); coding-DNA position 973, C replaced by T.
Protein change: p.Leu325=; no amino-acid change (leucine 325 retained).
Molecular consequence: synonymous variant.
Genome position (GRCh38, 1-based): chr19:54,455,515, C>T. VCF-style: chr19-54455515-C-T. GRCh37 (hg19) VCF-style: chr19-54966694-C-T.
Other names: c.973C>T, p.Leu325= (NM_001375638.1, NM_001375640.1, NM_001375641.1); c.919C>T, p.Leu307= (NM_001375639.1); c.862C>T, p.Leu288= (NM_001411063.1).
Identifiers: ClinVar variation 3035905 (VCV003035905.2), dbSNP rs141287435, ClinGen allele CA309657830.
Genomic context (GRCh38, chr19:54,455,515, plus strand): 5'-GAGTCGGAGGAGGACAAGGACCGCACGGAAAAGCTGCTCAAGGAGGTGCTGCAGGCGCGG[C>T]TGCAGGACGGCTCGGCCTATACCATTGACTGGAGCCGGGAGCCCTTGCCGGGGTTAGTCT-3'
Protein context (NP_443157.1, residues 315-335): KLLKEVLQAR[Leu325=]QDGSAYTIDW

ClinVar aggregate classification (germline): Likely benign (0 of 4 stars; one submission).

Conditions:
LENG8-related disorder. Also called: LENG8-related condition.

Allele frequency attached by ClinVar (database versions not stated): gnomAD exomes 0.00002; ExAC 0.00008; ESP Exome Variant Server 0.00008; TOPMed 0.00023; gnomAD 0.00025; 1000 Genomes Project 30x 0.00047; 1000 Genomes Project 0.00060.
gnomAD v4.1: 72 of 1,613,884 alleles (0.0045%); highest among the groups gnomAD compares: African/African-American, 0.091%; no homozygotes.

Submission:

PreventionGenetics, part of Exact Sciences
Classification: Likely benign for LENG8-related condition. Last evaluated: 2019-08-09. Review status: no assertion criteria provided. Collection method: clinical testing. Allele origin: germline.
Comment: This variant is classified as likely benign based on ACMG/AMP sequence variant interpretation guidelines (Richards et al. 2015 PMID: 25741868, with internal and published modifications).